The following is an entry in ClinVar:

NM_000127.3(EXT1):c.361C>T (p.Gln121Ter)

Gene: EXT1 (exostosin glycosyltransferase 1; minus strand). Cytogenetic location: 8q24.11.
Variant type: single nucleotide variant.
Coding change: c.361C>T on transcript NM_000127.3 (MANE Select); coding-DNA position 361, C replaced by T.
Protein change: p.Gln121Ter; replaces glutamine 121 with a stop codon.
Molecular consequence: nonsense.
Genome position (GRCh38, 1-based): chr8:118,110,686, G>A on the plus strand (C>T on the coding strand, the complement: EXT1 is on the minus strand). VCF-style: chr8-118110686-G-A. GRCh37 (hg19) VCF-style: chr8-119122925-G-A.
Other names: short protein forms Q121*.
Identifiers: ClinVar variation 1452182 (VCV001452182.8), dbSNP rs2130043930, ClinGen allele CA371916024.
Genomic context (GRCh38, chr8:118,110,686, plus strand): 5'-AGCCCTCGATGGCCGCTAGAATGTTTTGGTAACTTTCGGCGATTTTCTCCCCTTTTTGCT[G>A]TGGGTATACGTAGACTTTGAAGCCGTTTTTCTTGCAAAGGGTGAAATCGAAGCAGGACTC-3'

ClinVar aggregate classification (germline): Pathogenic (1 of 4 stars; one submission).

Conditions:
Multiple congenital exostosis (EXT). Also called: MULTIPLE CARTILAGINOUS EXOSTOSES; Hereditary multiple exostoses; Hereditary multiple exostosis; Multiple exostoses; Multiple osteochondromas; Hereditary multiple osteochondromas. Identifiers: Orphanet 321, MedGen C0015306, MONDO:0005508, HP:0002762.

Submission:

Labcorp Genetics (formerly Invitae), Labcorp
Classification: Pathogenic for Multiple congenital exostosis. Last evaluated: 2021-02-13. Review status: criteria provided, single submitter. Criteria: Invitae Variant Classification Sherloc (09022015). Collection method: clinical testing. Allele origin: germline.
Comment: For these reasons, this variant has been classified as Pathogenic. This variant has been observed in individual(s) with multiple osteochondromas (PMID: 22913777, 30334991). This variant is not present in population databases (ExAC no frequency). This sequence change creates a premature translational stop signal (p.Gln121*) in the EXT1 gene. It is expected to result in an absent or disrupted protein product. Loss-of-function variants in EXT1 are known to be pathogenic (PMID: 10679937, 11391482, 19810120).

Literature cited by the submitters: PubMed 22913777; PubMed 30334991; PubMed 10679937; PubMed 11391482; PubMed 19810120.